The following is an entry in ClinVar:

NM_001378615.1(CC2D2A):c.1546A>T (p.Met516Leu)

Genes: CC2D2A (coiled-coil and C2 domain containing 2A; plus strand), FBXL5 (F-box and leucine rich repeat protein 5; minus strand). Cytogenetic location: 4p15.32.
Variant type: single nucleotide variant.
Coding change: c.1546A>T on transcript NM_001378615.1 (MANE Select); coding-DNA position 1546, A replaced by T.
Protein change: p.Met516Leu; replaces methionine 516 with leucine.
Molecular consequence: missense variant.
Genome position (GRCh38, 1-based): chr4:15,533,272, A>T. VCF-style: chr4-15533272-A-T. GRCh37 (hg19) VCF-style: chr4-15534895-A-T.
Other names: c.1546A>T, p.Met516Leu (NM_001080522.2); c.1399A>T, p.Met467Leu (NM_001378617.1); short protein forms M467L, M516L.
Identifiers: ClinVar variation 4789741 (VCV004789741.1).

ClinVar aggregate classification (germline): Uncertain significance (1 of 4 stars; one submission).

Conditions:
Joubert syndrome. Also called: JOUBERT-BOLTSHAUSER SYNDROME; Familial aplasia of the vermis. Identifiers: Orphanet 475, MedGen C5979921, MONDO:0018772.
Meckel-Gruber syndrome. Also called: DYSENCEPHALIA SPLANCHNOCYSTICA; GRUBER SYNDROME; Dysencephalia splachnocystica. Identifiers: Orphanet 564, MedGen C0265215, MONDO:0018921.

gnomAD v4.1: 2 of 1,601,844 alleles (0.00012%); highest among the groups gnomAD compares: South Asian, 0.0023%; no homozygotes.

Submission:

Labcorp Genetics (formerly Invitae), Labcorp
Classification: Uncertain significance for Joubert syndrome; Meckel-Gruber syndrome. Last evaluated: 2025-04-30. Review status: criteria provided, single submitter. Criteria: Invitae Variant Classification Sherloc (09022015). Collection method: clinical testing. Allele origin: germline.
Comment: This sequence change replaces methionine, which is neutral and non-polar, with leucine, which is neutral and non-polar, at codon 516 of the CC2D2A protein (p.Met516Leu). This variant is not present in population databases (gnomAD no frequency). This variant has not been reported in the literature in individuals affected with CC2D2A-related conditions. Invitae Evidence Modeling of protein sequence and biophysical properties (such as structural, functional, and spatial information, amino acid conservation, physicochemical variation, residue mobility, and thermodynamic stability) indicates that this missense variant is not expected to disrupt CC2D2A protein function with a negative predictive value of 95%. In summary, the available evidence is currently insufficient to determine the role of this variant in disease. Therefore, it has been classified as a Variant of Uncertain Significance.